The following is an entry in ClinVar:

ClinVar aggregate classification (germline): Conflicting classifications of pathogenicity. Review status: criteria provided, conflicting classifications (1 of 4 stars). 3 submissions from 3 submitters: Uncertain significance (1); Likely benign (1). 1 of the submissions does not count toward it. Last evaluated 2025-10-23.

Conditions:
Hereditary cancer-predisposing syndrome. Also called: Neoplastic Syndromes, Hereditary; Tumor predisposition; Hereditary Cancer Syndrome; Hereditary neoplastic syndrome. Identifiers: Orphanet 140162, MedGen C0027672, MeSH D009386, MONDO:0015356.
Ataxia-telangiectasia syndrome (AT). Also called: ATAXIA-TELANGIECTASIA, COMPLEMENTATION GROUP A; ATAXIA-TELANGIECTASIA, FRESNO VARIANT; Ataxia-telangiectasia; Ataxia-telangiectasia, complementation group D; AT, COMPLEMENTATION GROUP C; Ataxia-telangiectasia, complementation group E. Identifiers: Orphanet 100, MedGen C0004135, MONDO:0008840, OMIM 208900.

Allele frequency attached by ClinVar (database versions not stated): gnomAD exomes below 0.00001.
gnomAD v4.1: 4 of 1,613,856 alleles (0.00025%); highest among the groups gnomAD compares: Non-Finnish European, 0.00034%; no homozygotes.

Submissions (3):

Labcorp Genetics (formerly Invitae), Labcorp
Classification: Uncertain significance for Ataxia-telangiectasia syndrome. Last evaluated: 2025-10-23. Review status: criteria provided, single submitter. Criteria: Invitae Variant Classification Sherloc (09022015). Collection method: clinical testing. Allele origin: germline.
Comment: This sequence change replaces serine, which is neutral and polar, with threonine, which is neutral and polar, at codon 644 of the ATM protein (p.Ser644Thr). This variant is not present in population databases (gnomAD no frequency). This variant has not been reported in the literature in individuals affected with ATM-related conditions. ClinVar contains an entry for this variant (Variation ID: 524398). Invitae Evidence Modeling of protein sequence and biophysical properties (such as structural, functional, and spatial information, amino acid conservation, physicochemical variation, residue mobility, and thermodynamic stability) indicates that this missense variant is not expected to disrupt ATM protein function with a negative predictive value of 95%. In summary, the available evidence is currently insufficient to determine the role of this variant in disease. Therefore, it has been classified as a Variant of Uncertain Significance.

Ambry Genetics
Classification: Likely benign for Hereditary cancer-predisposing syndrome. Last evaluated: 2024-02-21. Review status: criteria provided, single submitter. Criteria: Ambry Variant Classification Scheme 2023. Collection method: clinical testing. Allele origin: germline.

Natera, Inc.
Classification: Uncertain significance for Ataxia-telangiectasia. Last evaluated: 2020-08-25. Review status: no assertion criteria provided. Collection method: clinical testing. Allele origin: germline. Not counted in ClinVar's aggregate classification.

NM_000051.4(ATM):c.1930T>A (p.Ser644Thr)

Gene: ATM (ATM serine/threonine kinase; plus strand). Cytogenetic location: 11q22.3.
Variant type: single nucleotide variant.
Coding change: c.1930T>A on transcript NM_000051.4 (MANE Select); coding-DNA position 1930, T replaced by A.
Protein change: p.Ser644Thr; replaces serine 644 with threonine.
Molecular consequence: missense variant.
Genome position (GRCh38, 1-based): chr11:108,253,845, T>A. VCF-style: chr11-108253845-T-A. GRCh37 (hg19) VCF-style: chr11-108124572-T-A.
Other names: c.1930T>A, p.Ser644Thr (NM_001351834.2); short protein forms S644T.
Identifiers: ClinVar variation 524398 (VCV000524398.15), dbSNP rs1555073128, ClinGen allele CA382536532.
Genomic context (GRCh38, chr11:108,253,845, plus strand): 5'-TATATATTAAAGATCTTACTTTCTTGAAGTGAACACCACCAAAAAGATAAAGAAGAACTT[T>A]CATTCTCAGAAGTAGAAGAACTATTTCTTCAGACAACTTTTGACAAGATGGACTTTTTAA-3'
Protein context (NP_000042.3, residues 634-654): EHHQKDKEEL[Ser644Thr]FSEVEELFLQ